The following is an entry in ClinVar:

ClinVar aggregate classification (germline): Uncertain significance (1 of 4 stars; one submission).

gnomAD v4.1: 1 of 1,567,354 alleles (0.000064%); highest among the groups gnomAD compares: Non-Finnish European, 0.000086%; no homozygotes.

Submission:

GeneDx
Classification: Uncertain significance. Last evaluated: 2023-12-12. Review status: criteria provided, single submitter. Criteria: GeneDx Variant Classification Process June 2021. Collection method: clinical testing. Allele origin: germline. Affected: yes.
Comment: Not observed at significant frequency in large population cohorts (gnomAD); In silico analysis supports that this missense variant does not alter protein structure/function; Has not been previously published as pathogenic or benign to our knowledge

NM_017780.4(CHD7):c.2009C>T (p.Thr670Ile)

Genes: CHD7 (chromodomain helicase DNA binding protein 7; plus strand), LOC126860403 (CDK7 strongly-dependent group 2 enhancer GRCh37_chr8:61693034-61694233; plus strand). Cytogenetic location: 8q12.2.
Variant type: single nucleotide variant.
Coding change: c.2009C>T on transcript NM_017780.4 (MANE Select); coding-DNA position 2009, C replaced by T.
Protein change: p.Thr670Ile; replaces threonine 670 with isoleucine.
Molecular consequence: missense variant. On other transcripts: intron variant (1).
Genome position (GRCh38, 1-based): chr8:60,781,343, C>T. VCF-style: chr8-60781343-C-T. GRCh37 (hg19) VCF-style: chr8-61693902-C-T.
Other names: c.1716+293C>T (NM_001316690.1); short protein forms T670I.
Identifiers: ClinVar variation 3365477 (VCV003365477.1).